The following is an entry in ClinVar:

NM_021830.5(TWNK):c.1270T>C (p.Phe424Leu)

Gene: TWNK (twinkle mtDNA helicase; plus strand). Cytogenetic location: 10q24.31.
Variant type: single nucleotide variant.
Coding change: c.1270T>C on transcript NM_021830.5 (MANE Select); coding-DNA position 1270, T replaced by C.
Protein change: p.Phe424Leu; replaces phenylalanine 424 with leucine.
Molecular consequence: missense variant. On other transcripts: 5 prime UTR variant (2), non-coding transcript variant (2), intron variant (1).
Genome position (GRCh38, 1-based): chr10:100,989,670, T>C. VCF-style: chr10-100989670-T-C. GRCh37 (hg19) VCF-style: chr10-102749427-T-C.
Other names: c.1270T>C, p.Phe424Leu (NM_001163812.2); c.-93T>C (NM_001163813.2, NM_001163814.2); c.-57-36T>C (NM_001368275.1); short protein forms F424L.
Identifiers: ClinVar variation 1190385 (VCV001190385.3), dbSNP rs1356896874, ClinGen allele CA378210335.

ClinVar aggregate classification (germline): Uncertain significance. Review status: criteria provided, multiple submitters, no conflicts (2 of 4 stars). 2 submissions from 2 submitters: Uncertain significance (2). Last evaluated 2025-10-08.

Allele frequency attached by ClinVar (database versions not stated): gnomAD exomes below 0.00001; TOPMed below 0.00001; gnomAD 0.00001.
gnomAD v4.1: 3 of 1,614,044 alleles (0.00019%); highest among the groups gnomAD compares: Non-Finnish European, 0.00025%; no homozygotes.

Submissions (2):

Labcorp Genetics (formerly Invitae), Labcorp
Classification: Uncertain significance. Last evaluated: 2025-10-08. Review status: criteria provided, single submitter. Criteria: Invitae Variant Classification Sherloc (09022015). Collection method: clinical testing. Allele origin: germline.
Comment: This sequence change replaces phenylalanine, which is neutral and non-polar, with leucine, which is neutral and non-polar, at codon 424 of the TWNK protein (p.Phe424Leu). This variant is not present in population databases (gnomAD no frequency). This missense change has been observed in individual(s) with autosomal recessive mitochondrial DNA depletion syndrome 7 (PMID: 33486010). ClinVar contains an entry for this variant (Variation ID: 1190385). Invitae Evidence Modeling of protein sequence and biophysical properties (such as structural, functional, and spatial information, amino acid conservation, physicochemical variation, residue mobility, and thermodynamic stability) has been performed for this missense variant. However, the output from this modeling did not meet the statistical confidence thresholds required to predict the impact of this variant on TWNK protein function. In summary, the available evidence is currently insufficient to determine the role of this variant in disease. Therefore, it has been classified as a Variant of Uncertain Significance.

GeneDx
Classification: Uncertain significance. Last evaluated: 2019-09-28. Review status: criteria provided, single submitter. Criteria: GeneDx Variant Classification Process June 2021. Collection method: clinical testing. Allele origin: germline. Affected: yes.
Comment: Not observed in large population cohorts (Lek et al., 2016); In silico analysis, which includes protein predictors and evolutionary conservation, supports a deleterious effect; Has not been previously published as pathogenic or benign to our knowledge

Literature cited by the submitters: PubMed 33486010 (cited by Labcorp Genetics (formerly Invitae), Labcorp).